The following is an entry in ClinVar:

ClinVar aggregate classification (germline): Uncertain significance (1 of 4 stars; one submission).

Submission:

Ambry Genetics
Classification: Uncertain significance. Last evaluated: 2022-12-26. Review status: criteria provided, single submitter. Criteria: Ambry Variant Classification Scheme 2023. Collection method: clinical testing. Allele origin: germline.
Comment: The p.Q752E variant (also known as c.2254C>G), located in coding exon 14 of the POLQ gene, results from a C to G substitution at nucleotide position 2254. The glutamine at codon 752 is replaced by glutamic acid, an amino acid with highly similar properties. This amino acid position is conserved. In addition, the in silico prediction for this alteration is inconclusive. Since supporting evidence is limited at this time, the clinical significance of this alteration remains unclear.

NM_199420.4(POLQ):c.2254C>G (p.Gln752Glu)

Gene: POLQ (DNA polymerase theta; minus strand). Cytogenetic location: 3q13.33.
Variant type: single nucleotide variant.
Coding change: c.2254C>G on transcript NM_199420.4 (MANE Select); coding-DNA position 2254, C replaced by G.
Protein change: p.Gln752Glu; replaces glutamine 752 with glutamic acid.
Molecular consequence: missense variant.
Genome position (GRCh38, 1-based): chr3:121,496,832, G>C on the plus strand (C>G on the coding strand, the complement: POLQ is on the minus strand). VCF-style: chr3-121496832-G-C. GRCh37 (hg19) VCF-style: chr3-121215679-G-C.
Other names: short protein forms Q752E.
Identifiers: ClinVar variation 2448958 (VCV002448958.2), dbSNP rs2546793638, ClinGen allele CA354108870.